The following is an entry in ClinVar:

NM_001354604.2(MITF):c.459C>G (p.Asn153Lys)

Gene: MITF (melanocyte inducing transcription factor; plus strand). Cytogenetic location: 3p13.
Variant type: single nucleotide variant.
Coding change: c.459C>G on transcript NM_001354604.2 (MANE Select); coding-DNA position 459, C replaced by G.
Protein change: p.Asn153Lys; replaces asparagine 153 with lysine.
Molecular consequence: missense variant. On other transcripts: intron variant (1).
Genome position (GRCh38, 1-based): chr3:69,937,926, C>G. VCF-style: chr3-69937926-C-G. GRCh37 (hg19) VCF-style: chr3-69987077-C-G.
Other names: c.138C>G, p.Asn46Lys (NM_000248.4, NM_001184968.2, NM_198158.3); c.303C>G, p.Asn101Lys (NM_001184967.2, NM_001354608.2); c.456C>G, p.Asn152Lys (NM_001354605.2, NM_001354606.2, NM_006722.3); c.408C>G, p.Asn136Lys (NM_001354607.2); c.459C>G, p.Asn153Lys (NM_198159.3); c.411C>G, p.Asn137Lys (NM_198177.3); c.93+45C>G (NM_198178.3); short protein forms N101K, N46K, N152K, N153K, N136K, N137K.
Identifiers: ClinVar variation 4648467 (VCV004648467.2).

ClinVar aggregate classification (germline): Uncertain significance. Review status: criteria provided, multiple submitters, no conflicts (2 of 4 stars). 2 submissions from 2 submitters: Uncertain significance (2). Last evaluated 2025-10-20.

Conditions:
Tietz syndrome (TADS). Also called: ALBINISM-DEAFNESS OF TIETZ; HYPOPIGMENTATION/DEAFNESS OF TIETZ; TIETZ ALBINISM-DEAFNESS SYNDROME. Identifiers: Orphanet 42665, MedGen C0391816, MONDO:0007077, OMIM 103500.
Waardenburg syndrome type 2A (WS2A). Also called: WAARDENBURG SYNDROME WITHOUT DYSTOPIA CANTHORUM. Identifiers: Orphanet 3440, MedGen C1860339, MONDO:0008671, OMIM 193510.
Melanoma, cutaneous malignant, susceptibility to, 8. Also called: MELANOMA AND RENAL CELL CARCINOMA, SUSCEPTIBILITY TO; Cutaneous malignant melanoma 8. Identifiers: Orphanet 293822, MedGen C3152204, MONDO:0013759, OMIM 614456.
Hereditary cancer-predisposing syndrome. Also called: Neoplastic Syndromes, Hereditary; Tumor predisposition; Hereditary Cancer Syndrome; Hereditary neoplastic syndrome. Identifiers: Orphanet 140162, MedGen C0027672, MeSH D009386, MONDO:0015356.

Submissions (2):

Labcorp Genetics (formerly Invitae), Labcorp
Classification: Uncertain significance for Melanoma, cutaneous malignant, susceptibility to, 8; Waardenburg syndrome type 2A; Tietz syndrome. Last evaluated: 2025-10-20. Review status: criteria provided, single submitter. Criteria: Invitae Variant Classification Sherloc (09022015). Collection method: clinical testing. Allele origin: germline.
Comment: This sequence change replaces asparagine, which is neutral and polar, with lysine, which is basic and polar, at codon 46 of the MITF protein (p.Asn46Lys). This variant is not present in population databases (gnomAD no frequency). This variant has not been reported in the literature in individuals affected with MITF-related conditions. Invitae Evidence Modeling of protein sequence and biophysical properties (such as structural, functional, and spatial information, amino acid conservation, physicochemical variation, residue mobility, and thermodynamic stability) indicates that this missense variant is not expected to disrupt MITF protein function with a negative predictive value of 80%. In summary, the available evidence is currently insufficient to determine the role of this variant in disease. Therefore, it has been classified as a Variant of Uncertain Significance.

Ambry Genetics
Classification: Uncertain significance for Hereditary cancer-predisposing syndrome. Last evaluated: 2025-09-19. Review status: criteria provided, single submitter. Criteria: Ambry Variant Classification Scheme 2023. Collection method: clinical testing. Allele origin: germline.
Comment: The p.N46K variant (also known as c.138C>G), located in coding exon 2 of the MITF gene, results from a C to G substitution at nucleotide position 138. The asparagine at codon 46 is replaced by lysine, an amino acid with similar properties. This amino acid position is conserved. In addition, this alteration is predicted to be tolerated by in silico analysis. Based on the available evidence, the clinical significance of this variant remains unclear.